The following is an entry in ClinVar:

NM_001164508.2(NEB):c.11908C>T (p.Gln3970Ter)

Gene: NEB (nebulin; minus strand). Cytogenetic location: 2q23.3.
Variant type: single nucleotide variant.
Coding change: c.11908C>T on transcript NM_001164508.2 (MANE Select); coding-DNA position 11908, C replaced by T.
Protein change: p.Gln3970Ter; replaces glutamine 3970 with a stop codon.
Molecular consequence: nonsense.
Genome position (GRCh38, 1-based): chr2:151,610,764, G>A on the plus strand (C>T on the coding strand, the complement: NEB is on the minus strand). VCF-style: chr2-151610764-G-A. GRCh37 (hg19) VCF-style: chr2-152467278-G-A.
Other names: c.11908C>T, p.Gln3970Ter (NM_001164507.2, NM_001271208.2); c.11179C>T, p.Gln3727Ter (NM_004543.5); short protein forms Q3727*, Q3970*.
Identifiers: ClinVar variation 3618063 (VCV003618063.2).

ClinVar aggregate classification (germline): Pathogenic (1 of 4 stars; one submission).

Conditions:
Nemaline myopathy 2 (NEM2). Also called: Nemaline myopathy 2, autosomal recessive. Identifiers: MedGen C1850569, MONDO:0009725, OMIM 256030.

Submission:

Labcorp Genetics (formerly Invitae), Labcorp
Classification: Pathogenic for Nemaline myopathy 2. Last evaluated: 2024-02-20. Review status: criteria provided, single submitter. Criteria: Invitae Variant Classification Sherloc (09022015). Collection method: clinical testing. Allele origin: germline.
Comment: This sequence change creates a premature translational stop signal (p.Gln3970*) in the NEB gene. It is expected to result in an absent or disrupted protein product. Loss-of-function variants in NEB are known to be pathogenic (PMID: 25205138). This variant is not present in population databases (gnomAD no frequency). This variant has not been reported in the literature in individuals affected with NEB-related conditions. For these reasons, this variant has been classified as Pathogenic.

Literature cited by the submitters: PubMed 25205138.